The following is an entry in ClinVar:

NM_001130021.3(ATP6V0A1):c.1739C>A (p.Thr580Asn)

Gene: ATP6V0A1 (ATPase H+ transporting V0 subunit a1; plus strand). Cytogenetic location: 17q21.2.
Variant type: single nucleotide variant.
Coding change: c.1739C>A on transcript NM_001130021.3 (MANE Select); coding-DNA position 1739, C replaced by A.
Protein change: p.Thr580Asn; replaces threonine 580 with asparagine.
Molecular consequence: missense variant.
Genome position (GRCh38, 1-based): chr17:42,500,766, C>A. VCF-style: chr17-42500766-C-A. GRCh37 (hg19) VCF-style: chr17-40652784-C-A.
Other names: c.1760C>A, p.Thr587Asn (NM_001130020.3, NM_001378522.1, NM_001378523.1 and 3 more transcripts); c.1862C>A, p.Thr621Asn (NM_001378530.1, NM_001378533.1, NM_001378551.1 and 1 more transcripts); c.1883C>A, p.Thr628Asn (NM_001378531.1, NM_001378532.1); c.1739C>A, p.Thr580Asn (NM_001378535.1, NM_001378537.1, NM_001378542.1 and 3 more transcripts); c.1631C>A, p.Thr544Asn (NM_001378536.1, NM_001378550.1, NM_001378556.1); c.1610C>A, p.Thr537Asn (NM_001378538.1, NM_001378540.1); c.1580C>A, p.Thr527Asn (NM_001378543.1); c.1529C>A, p.Thr510Asn (NM_001378545.1, NM_001378554.1); and 3 more; short protein forms T498N, T509N, T510N, T520N, T527N, T537N, T544N, T580N.
Identifiers: ClinVar variation 3767724 (VCV003767724.1).

ClinVar aggregate classification (germline): Uncertain significance (1 of 4 stars; one submission).

gnomAD v4.1: 2 of 1,613,974 alleles (0.00012%); highest among the groups gnomAD compares: East Asian, 0.0045%; no homozygotes.

Submission:

GeneDx
Classification: Uncertain significance. Last evaluated: 2024-09-03. Review status: criteria provided, single submitter. Criteria: GeneDx Variant Classification Process June 2021. Collection method: clinical testing. Allele origin: germline. Affected: yes.
Comment: Not observed at significant frequency in large population cohorts (gnomAD); In silico analysis indicates that this missense variant does not alter protein structure/function; Has not been previously published as pathogenic or benign to our knowledge